The following is an entry in ClinVar:

NM_001942.4(DSG1):c.1804C>A (p.Pro602Thr)

Genes: DSG1 (desmoglein 1; plus strand), DSG1-AS1 (DSG1 antisense RNA 1; minus strand). Cytogenetic location: 18q12.1.
Variant type: single nucleotide variant.
Coding change: c.1804C>A on transcript NM_001942.4 (MANE Select); coding-DNA position 1804, C replaced by A.
Protein change: p.Pro602Thr; replaces proline 602 with threonine.
Molecular consequence: missense variant. On other transcripts: non-coding transcript variant (2).
Genome position (GRCh38, 1-based): chr18:31,343,566, C>A. VCF-style: chr18-31343566-C-A. GRCh37 (hg19) VCF-style: chr18-28923529-C-A.
Other names: short protein forms P602T.
Identifiers: ClinVar variation 4537955 (VCV004537955.1).

ClinVar aggregate classification (germline): Uncertain significance (1 of 4 stars; one submission).

Submission:

GeneDx
Classification: Uncertain significance. Last evaluated: 2025-06-07. Review status: criteria provided, single submitter. Criteria: GeneDx Variant Classification Process June 2021. Collection method: clinical testing. Allele origin: germline. Affected: yes.
Comment: Not observed at significant frequency in large population cohorts (gnomAD); In silico analysis suggests that this missense variant does not alter protein structure/function; Has not been previously published as pathogenic or benign to our knowledge